The following is an entry in ClinVar:

ClinVar aggregate classification (germline): Uncertain significance (1 of 4 stars; one submission).

Conditions:
Inborn genetic diseases. Identifiers: MedGen C0950123, MeSH D030342.

Allele frequency attached by ClinVar (database versions not stated): gnomAD exomes below 0.00001.
gnomAD v4.1: 1 of 1,607,084 alleles (0.000062%); no homozygotes.

Submission:

Ambry Genetics
Classification: Uncertain significance for Inborn genetic diseases. Last evaluated: 2023-03-02. Review status: criteria provided, single submitter. Criteria: Ambry Variant Classification Scheme 2023. Collection method: clinical testing. Allele origin: germline.
Comment: The p.N785D variant (also known as c.2353A>G), located in coding exon 11 of the ATR gene, results from an A to G substitution at nucleotide position 2353. The asparagine at codon 785 is replaced by aspartic acid, an amino acid with highly similar properties. This amino acid position is conserved. In addition, this alteration is predicted to be tolerated by in silico analysis. Since supporting evidence is limited at this time, the clinical significance of this alteration remains unclear.

NM_001184.4(ATR):c.2353A>G (p.Asn785Asp)

Gene: ATR (ATR checkpoint kinase; minus strand). Cytogenetic location: 3q23.
Variant type: single nucleotide variant.
Coding change: c.2353A>G on transcript NM_001184.4 (MANE Select); coding-DNA position 2353, A replaced by G.
Protein change: p.Asn785Asp; replaces asparagine 785 with aspartic acid.
Molecular consequence: missense variant.
Genome position (GRCh38, 1-based): chr3:142,554,004, T>C on the plus strand (A>G on the coding strand, the complement: ATR is on the minus strand). VCF-style: chr3-142554004-T-C. GRCh37 (hg19) VCF-style: chr3-142272846-T-C.
Other names: c.2161A>G, p.Asn721Asp (NM_001354579.2); short protein forms N785D, N721D.
Identifiers: ClinVar variation 2453603 (VCV002453603.2), dbSNP rs2473386746, ClinGen allele CA354817415.